The following is an entry in ClinVar:

NM_015047.3(EMC1):c.2032C>A (p.Gln678Lys)

Genes: EMC1 (ER membrane protein complex subunit 1; minus strand), EMC1-AS1 (EMC1 antisense RNA 1; plus strand). Cytogenetic location: 1p36.13.
Variant type: single nucleotide variant.
Coding change: c.2032C>A on transcript NM_015047.3 (MANE Select); coding-DNA position 2032, C replaced by A.
Protein change: p.Gln678Lys; replaces glutamine 678 with lysine.
Molecular consequence: missense variant.
Genome position (GRCh38, 1-based): chr1:19,230,876, G>T on the plus strand (C>A on the coding strand, the complement: EMC1 is on the minus strand). VCF-style: chr1-19230876-G-T. GRCh37 (hg19) VCF-style: chr1-19557370-G-T.
Other names: c.2029C>A, p.Gln677Lys (NM_001271427.2, NM_001271428.2); c.1966C>A, p.Gln656Lys (NM_001271429.2); c.2041C>A, p.Gln681Lys (NM_001375820.1); c.2038C>A, p.Gln680Lys (NM_001375821.1); short protein forms Q677K, Q680K, Q681K, Q656K, Q678K.
Identifiers: ClinVar variation 1950469 (VCV001950469.5), dbSNP rs770207023, ClinGen allele CA652426.

ClinVar aggregate classification (germline): Uncertain significance (1 of 4 stars; one submission).

Allele frequency attached by ClinVar (database versions not stated): ExAC 0.00001; gnomAD 0.00001; TOPMed 0.00001.
gnomAD v4.1: 4 of 1,614,066 alleles (0.00025%); highest among the groups gnomAD compares: Admixed American, 0.0067%; no homozygotes.

Submission:

Labcorp Genetics (formerly Invitae), Labcorp
Classification: Uncertain significance. Last evaluated: 2025-04-28. Review status: criteria provided, single submitter. Criteria: Invitae Variant Classification Sherloc (09022015). Collection method: clinical testing. Allele origin: germline.
Comment: This sequence change replaces glutamine, which is neutral and polar, with lysine, which is basic and polar, at codon 678 of the EMC1 protein (p.Gln678Lys). This variant is present in population databases (rs770207023, gnomAD 0.009%). This variant has not been reported in the literature in individuals affected with EMC1-related conditions. ClinVar contains an entry for this variant (Variation ID: 1950469). Invitae Evidence Modeling of protein sequence and biophysical properties (such as structural, functional, and spatial information, amino acid conservation, physicochemical variation, residue mobility, and thermodynamic stability) indicates that this missense variant is not expected to disrupt EMC1 protein function with a negative predictive value of 80%. In summary, the available evidence is currently insufficient to determine the role of this variant in disease. Therefore, it has been classified as a Variant of Uncertain Significance.